The following is an entry in ClinVar:

ClinVar aggregate classification (germline): Uncertain significance (1 of 4 stars; one submission).

Conditions:
Intellectual developmental disorder, autosomal dominant 6, with or without seizures. Also called: GRIN2B-related developmental delay, intellectual disability and autism spectrum disorder; Intellectual disability, autosomal dominant 6. Identifiers: Orphanet 589547, MedGen C3151411, MONDO:0013509, OMIM 613970.
Developmental and epileptic encephalopathy, 27 (DEE27). Also called: Epileptic encephalopathy, early infantile, 27; GRIN2B-Related Neurodevelopmental Disorder. Identifiers: Orphanet 3451, MedGen C4015316, MONDO:0014505, OMIM 616139.

gnomAD v4.1: 1 of 1,613,626 alleles (0.000062%); highest among the groups gnomAD compares: South Asian, 0.0011%; no homozygotes.

Submission:

Labcorp Genetics (formerly Invitae), Labcorp
Classification: Uncertain significance for Developmental and epileptic encephalopathy, 27; Intellectual developmental disorder, autosomal dominant 6, with or without seizures. Last evaluated: 2023-07-07. Review status: criteria provided, single submitter. Criteria: Invitae Variant Classification Sherloc (09022015). Collection method: clinical testing. Allele origin: germline.
Comment: In summary, the available evidence is currently insufficient to determine the role of this variant in disease. Therefore, it has been classified as a Variant of Uncertain Significance. Advanced modeling of protein sequence and biophysical properties (such as structural, functional, and spatial information, amino acid conservation, physicochemical variation, residue mobility, and thermodynamic stability) performed at Invitae indicates that this missense variant is not expected to disrupt GRIN2B protein function. This variant has not been reported in the literature in individuals affected with GRIN2B-related conditions. This sequence change replaces alanine, which is neutral and non-polar, with valine, which is neutral and non-polar, at codon 26 of the GRIN2B protein (p.Ala26Val). This variant is not present in population databases (gnomAD no frequency).

NM_000834.5(GRIN2B):c.77C>T (p.Ala26Val)

Gene: GRIN2B (glutamate ionotropic receptor NMDA type subunit 2B; minus strand). Cytogenetic location: 12p13.1.
Variant type: single nucleotide variant.
Coding change: c.77C>T on transcript NM_000834.5 (MANE Select); coding-DNA position 77, C replaced by T.
Protein change: p.Ala26Val; replaces alanine 26 with valine.
Molecular consequence: missense variant.
Genome position (GRCh38, 1-based): chr12:13,866,132, G>A on the plus strand (C>T on the coding strand, the complement: GRIN2B is on the minus strand). VCF-style: chr12-13866132-G-A. GRCh37 (hg19) VCF-style: chr12-14019066-G-A.
Other names: c.77C>T, p.Ala26Val (NM_001413992.1, NM_001413993.1, NM_001413994.1 and 1 more transcripts); short protein forms A26V.
Identifiers: ClinVar variation 2949635 (VCV002949635.3), dbSNP rs915881751, ClinGen allele CA384055046.